The following is an entry in ClinVar:

NM_001377540.1(SLMAP):c.830G>A (p.Arg277Gln)

Gene: SLMAP (sarcolemma associated protein; plus strand). Cytogenetic location: 3p14.3.
Variant type: single nucleotide variant.
Coding change: c.830G>A on transcript NM_001377540.1 (MANE Select); coding-DNA position 830, G replaced by A.
Protein change: p.Arg277Gln; replaces arginine 277 with glutamine.
Molecular consequence: missense variant. On other transcripts: non-coding transcript variant (1).
Genome position (GRCh38, 1-based): chr3:57,861,950, G>A. VCF-style: chr3-57861950-G-A. GRCh37 (hg19) VCF-style: chr3-57847677-G-A.
Other names: c.830G>A, p.Arg277Gln (NM_001304420.3, NM_001304421.2, NM_001377538.1 and 17 more transcripts); c.830G>A (NM_007159.2); short protein forms R277Q.
Identifiers: ClinVar variation 1384717 (VCV001384717.11), dbSNP rs756718350, ClinGen allele CA2466949.

ClinVar aggregate classification (germline): Uncertain significance. Review status: criteria provided, multiple submitters, no conflicts (2 of 4 stars). 2 submissions from 2 submitters: Uncertain significance (2). Last evaluated 2025-06-30.

Conditions:
Brugada syndrome. Also called: Sudden unexplained nocturnal death syndrome; Sudden Unexplained Death Syndrome; Sudden Unexplained Nocturnal Death Syndrome (SUNDS); Sudden unexpected nocturnal death syndrome. Identifiers: Orphanet 130, MedGen C1142166, MONDO:0015263.

Allele frequency attached by ClinVar (database versions not stated): gnomAD 0.00003 and 0.00004; TOPMed 0.00004.
gnomAD v4.1: 91 of 1,610,584 alleles (0.0057%); highest among the groups gnomAD compares: Middle Eastern, 0.017%; no homozygotes.

Submissions (2):

Ambry Genetics
Classification: Uncertain significance. Last evaluated: 2025-06-30. Review status: criteria provided, single submitter. Criteria: Ambry Variant Classification Scheme 2023. Collection method: clinical testing. Allele origin: germline.

Labcorp Genetics (formerly Invitae), Labcorp
Classification: Uncertain significance for Brugada syndrome. Last evaluated: 2023-10-13. Review status: criteria provided, single submitter. Criteria: Invitae Variant Classification Sherloc (09022015). Collection method: clinical testing. Allele origin: germline.
Comment: This sequence change replaces arginine, which is basic and polar, with glutamine, which is neutral and polar, at codon 277 of the SLMAP protein (p.Arg277Gln). This variant is present in population databases (rs756718350, gnomAD 0.009%). This variant has not been reported in the literature in individuals affected with SLMAP-related conditions. ClinVar contains an entry for this variant (Variation ID: 1384717). An algorithm developed to predict the effect of missense changes on protein structure and function (PolyPhen-2) suggests that this variant is likely to be disruptive. In summary, the available evidence is currently insufficient to determine the role of this variant in disease. Therefore, it has been classified as a Variant of Uncertain Significance.